The following is an entry in ClinVar:

NM_031475.3(ESPN):c.907C>A (p.Arg303Ser)

Gene: ESPN (espin; plus strand). Cytogenetic location: 1p36.31.
Variant type: single nucleotide variant.
Coding change: c.907C>A on transcript NM_031475.3 (MANE Select); coding-DNA position 907, C replaced by A.
Protein change: p.Arg303Ser; replaces arginine 303 with serine.
Molecular consequence: missense variant.
Genome position (GRCh38, 1-based): chr1:6,440,982, C>A. VCF-style: chr1-6440982-C-A. GRCh37 (hg19) VCF-style: chr1-6501042-C-A.
Other names: c.907C>A, p.Arg303Ser (NM_001367473.1, NM_001367474.1); short protein forms R303S.
Identifiers: ClinVar variation 1911124 (VCV001911124.5), dbSNP rs980578581, ClinGen allele CA338091595.

ClinVar aggregate classification (germline): Uncertain significance (1 of 4 stars; one submission).

Submission:

Labcorp Genetics (formerly Invitae), Labcorp
Classification: Uncertain significance. Last evaluated: 2023-08-24. Review status: criteria provided, single submitter. Criteria: Invitae Variant Classification Sherloc (09022015). Collection method: clinical testing. Allele origin: germline.
Comment: This sequence change replaces arginine, which is basic and polar, with serine, which is neutral and polar, at codon 303 of the ESPN protein (p.Arg303Ser). The frequency data for this variant in the population databases is considered unreliable, as metrics indicate poor data quality at this position in the gnomAD database. This variant has not been reported in the literature in individuals affected with ESPN-related conditions. ClinVar contains an entry for this variant (Variation ID: 1911124). An algorithm developed to predict the effect of missense changes on protein structure and function (PolyPhen-2) suggests that this variant is likely to be tolerated. In summary, the available evidence is currently insufficient to determine the role of this variant in disease. Therefore, it has been classified as a Variant of Uncertain Significance.